The following is an entry in ClinVar:

NM_013352.4(DSE):c.2387T>C (p.Ile796Thr)

Gene: DSE (dermatan sulfate epimerase; plus strand). Cytogenetic location: 6q22.1.
Variant type: single nucleotide variant.
Coding change: c.2387T>C on transcript NM_013352.4 (MANE Select); coding-DNA position 2387, T replaced by C.
Protein change: p.Ile796Thr; replaces isoleucine 796 with threonine.
Molecular consequence: missense variant. On other transcripts: 3 prime UTR variant (2), non-coding transcript variant (1).
Genome position (GRCh38, 1-based): chr6:116,436,855, T>C. VCF-style: chr6-116436855-T-C. GRCh37 (hg19) VCF-style: chr6-116758018-T-C.
Other names: c.2387T>C, p.Ile796Thr (NM_001080976.3, NM_001322937.2, NM_001322938.2); c.2444T>C, p.Ile815Thr (NM_001322939.2); c.1826T>C, p.Ile609Thr (NM_001322940.2, NM_001322941.2); c.*1252T>C (NM_001322943.2, NM_001322944.2); c.1388T>C, p.Ile463Thr (NM_001374520.1); c.1352T>C, p.Ile451Thr (NM_001374521.1); short protein forms I451T, I463T, I609T, I796T, I815T.
Identifiers: ClinVar variation 2577573 (VCV002577573.1), dbSNP rs2482307341, ClinGen allele CA365407667.

ClinVar aggregate classification (germline): Uncertain significance (1 of 4 stars; one submission).

Allele frequency attached by ClinVar (database versions not stated): gnomAD exomes below 0.00001.
gnomAD v4.1: 2 of 1,614,084 alleles (0.00012%); highest among the groups gnomAD compares: South Asian, 0.0011%; no homozygotes.

Submission:

GeneDx
Classification: Uncertain significance. Last evaluated: 2023-02-27. Review status: criteria provided, single submitter. Criteria: GeneDx Variant Classification Process June 2021. Collection method: clinical testing. Allele origin: germline. Affected: yes.
Comment: Not observed at significant frequency in large population cohorts (gnomAD); In silico analysis supports that this missense variant does not alter protein structure/function; Has not been previously published as pathogenic or benign to our knowledge